The following is an entry in ClinVar:

NM_005845.5(ABCC4):c.2578G>A (p.Val860Met)

Gene: ABCC4 (ATP binding cassette subfamily C member 4 (PEL blood group); minus strand). Cytogenetic location: 13q32.1.
Variant type: single nucleotide variant.
Coding change: c.2578G>A on transcript NM_005845.5 (MANE Select); coding-DNA position 2578, G replaced by A.
Protein change: p.Val860Met; replaces valine 860 with methionine.
Molecular consequence: missense variant.
Genome position (GRCh38, 1-based): chr13:95,083,248, C>T on the plus strand (G>A on the coding strand, the complement: ABCC4 is on the minus strand). VCF-style: chr13-95083248-C-T. GRCh37 (hg19) VCF-style: chr13-95735502-C-T.
Other names: p.Val860Met; c.2437G>A, p.Val813Met (NM_001301829.2); short protein forms V813M, V860M.
Identifiers: ClinVar variation 3380159 (VCV003380159.1).

ClinVar aggregate classification (germline): Uncertain significance (1 of 4 stars; one submission).

gnomAD v4.1: 291 of 1,613,998 alleles (0.018%); highest among the groups gnomAD compares: East Asian, 0.45%; 1 homozygote.

Submission:

Mayo Clinic Laboratories, Mayo Clinic
Classification: Uncertain significance. Last evaluated: 2024-07-08. Review status: criteria provided, single submitter. Criteria: ACMG Guidelines, 2015. Collection method: clinical testing. Allele origin: germline. Observed: 1 variant allele.
Comment: BS1, PM1_supporting